The following is an entry in ClinVar:

ClinVar aggregate classification (germline): Uncertain significance (1 of 4 stars; one submission).

Conditions:
Inborn genetic diseases. Identifiers: MedGen C0950123, MeSH D030342.

Submission:

Ambry Genetics
Classification: Uncertain significance for Inborn genetic diseases. Last evaluated: 2025-06-13. Review status: criteria provided, single submitter. Criteria: Ambry Variant Classification Scheme 2023. Collection method: clinical testing. Allele origin: germline.
Comment: The c.1145G>A (p.R382K) alteration is located in exon 9 (coding exon 9) of the SCARB2 gene. This alteration results from a G to A substitution at nucleotide position 1145, causing the arginine (R) at amino acid position 382 to be replaced by a lysine (K). This variant was not reported in population-based cohorts in the Genome Aggregation Database (gnomAD). This amino acid position is highly conserved in available vertebrate species. The in silico prediction for this alteration is inconclusive. Based on insufficient or conflicting evidence, the clinical significance of this alteration remains unclear.

NM_005506.4(SCARB2):c.1145G>A (p.Arg382Lys)

Gene: SCARB2 (scavenger receptor class B member 2; minus strand). Cytogenetic location: 4q21.1.
Variant type: single nucleotide variant.
Coding change: c.1145G>A on transcript NM_005506.4 (MANE Select); coding-DNA position 1145, G replaced by A.
Protein change: p.Arg382Lys; replaces arginine 382 with lysine.
Molecular consequence: missense variant.
Genome position (GRCh38, 1-based): chr4:76,168,445, C>T on the plus strand (G>A on the coding strand, the complement: SCARB2 is on the minus strand). VCF-style: chr4-76168445-C-T. GRCh37 (hg19) VCF-style: chr4-77089598-C-T.
Other names: c.716G>A, p.Arg239Lys (NM_001204255.2); short protein forms R382K, R239K.
Identifiers: ClinVar variation 3950667 (VCV003950667.1).